The following is an entry in ClinVar:

NM_001232.4(CASQ2):c.-30T>C

Gene: CASQ2 (calsequestrin 2; minus strand). Cytogenetic location: 1p13.1.
Variant type: single nucleotide variant.
Coding change: c.-30T>C on transcript NM_001232.4 (MANE Select); 30 bases upstream of the start codon, T replaced by C.
Molecular consequence: 5 prime UTR variant.
Genome position (GRCh38, 1-based): chr1:115,768,571, A>G on the plus strand (T>C on the coding strand, the complement: CASQ2 is on the minus strand). VCF-style: chr1-115768571-A-G. GRCh37 (hg19) VCF-style: chr1-116311192-A-G.
Identifiers: ClinVar variation 382285 (VCV000382285.1), dbSNP rs1057521312, ClinGen allele CA16603400.

ClinVar aggregate classification (germline): Likely benign (1 of 4 stars; one submission).

Allele frequency attached by ClinVar (database versions not stated): TOPMed below 0.00001.

Submission:

GeneDx
Classification: Likely benign. Last evaluated: 2015-12-14. Review status: criteria provided, single submitter. Criteria: GeneDx Variant Classification (06012015). Collection method: clinical testing. Allele origin: germline. Affected: yes.
Comment: This variant is considered likely benign or benign based on one or more of the following criteria: it is a conservative change, it occurs at a poorly conserved position in the protein, it is predicted to be benign by multiple in silico algorithms, and/or has population frequency not consistent with disease.